The following is an entry in ClinVar:

ClinVar aggregate classification (germline): Uncertain significance. Review status: criteria provided, single submitter (1 of 4 stars). 2 submissions from 2 submitters: Uncertain significance (1). 1 of the submissions does not count toward it. Last evaluated 2022-05-25.

Conditions:
Pontocerebellar hypoplasia type 1A (PCH1A). Also called: PONTOCEREBELLAR HYPOPLASIA WITH ANTERIOR HORN CELL DISEASE; PONTOCEREBELLAR HYPOPLASIA WITH INFANTILE SPINAL MUSCULAR ATROPHY. Identifiers: Orphanet 2254, Orphanet 88616, MedGen C1843504, MONDO:0011866, OMIM 607596.

Allele frequency attached by ClinVar (database versions not stated): TOPMed below 0.00001; gnomAD 0.00001.
gnomAD v4.1: 2 of 1,613,656 alleles (0.00012%); highest among the groups gnomAD compares: Non-Finnish European, 0.00017%; no homozygotes.

Submissions (2):

Labcorp Genetics (formerly Invitae), Labcorp
Classification: Uncertain significance for Pontocerebellar hypoplasia type 1A. Last evaluated: 2022-05-25. Review status: criteria provided, single submitter. Criteria: Invitae Variant Classification Sherloc (09022015). Collection method: clinical testing. Allele origin: germline.
Comment: This sequence change replaces glutamine, which is neutral and polar, with arginine, which is basic and polar, at codon 45 of the VRK1 protein (p.Gln45Arg). This variant is not present in population databases (gnomAD no frequency). This variant has not been reported in the literature in individuals affected with VRK1-related conditions. ClinVar contains an entry for this variant (Variation ID: 533536). Algorithms developed to predict the effect of missense changes on protein structure and function (SIFT, PolyPhen-2, Align-GVGD) all suggest that this variant is likely to be tolerated. In summary, the available evidence is currently insufficient to determine the role of this variant in disease. Therefore, it has been classified as a Variant of Uncertain Significance.

Natera, Inc.
Classification: Uncertain significance for Pontocerebellar hypoplasia, type 1a. Last evaluated: 2020-02-29. Review status: no assertion criteria provided. Collection method: clinical testing. Allele origin: germline. Not counted in ClinVar's aggregate classification.

NM_003384.3(VRK1):c.134A>G (p.Gln45Arg)

Gene: VRK1 (VRK serine/threonine kinase 1; plus strand). Cytogenetic location: 14q32.2.
Variant type: single nucleotide variant.
Coding change: c.134A>G on transcript NM_003384.3 (MANE Select); coding-DNA position 134, A replaced by G.
Protein change: p.Gln45Arg; replaces glutamine 45 with arginine.
Molecular consequence: missense variant.
Genome position (GRCh38, 1-based): chr14:96,833,605, A>G. VCF-style: chr14-96833605-A-G. GRCh37 (hg19) VCF-style: chr14-97299942-A-G.
Other names: short protein forms Q45R.
Identifiers: ClinVar variation 533536 (VCV000533536.11), dbSNP rs1372198425, ClinGen allele CA390931136.